The following is an entry in ClinVar:

ClinVar aggregate classification (germline): Likely pathogenic (1 of 4 stars; one submission).

Conditions:
Duchenne muscular dystrophy (DMD). Also called: Duchenne Muscular Dystrophy (DMD); MUSCULAR DYSTROPHY, PSEUDOHYPERTROPHIC PROGRESSIVE, DUCHENNE TYPE. Identifiers: Orphanet 98896, MedGen C0013264, MONDO:0010679, OMIM 310200.

Submission:

Labcorp Genetics (formerly Invitae), Labcorp
Classification: Likely pathogenic for Duchenne muscular dystrophy. Last evaluated: 2022-08-23. Review status: criteria provided, single submitter. Criteria: Invitae Variant Classification Sherloc (09022015). Collection method: clinical testing. Allele origin: germline.
Comment: In summary, the currently available evidence indicates that the variant is pathogenic, but additional data are needed to prove that conclusively. Therefore, this variant has been classified as Likely Pathogenic. This variant has not been reported in the literature in individuals affected with DMD-related conditions. This variant results in a copy number gain of the genomic region encompassing exon(s) 3-21 of the DMD gene. While the exact position of this variant cannot be determined from the data, sub-genic copy number gains are generally in tandem (PMID: 25640679). This variant is predicted to be out-of-frame, and may result in an absent or disrupted protein product. Loss-of-function variants in DMD are known to be pathogenic (PMID: 16770791, 25007885).

Literature cited by the submitters: PubMed 25640679; PubMed 16770791; PubMed 25007885.

NC_000023.10:g.(?_32503016)_(32867957_?)dup

Gene: DMD (dystrophin; minus strand). Cytogenetic location: Xp21.1.
Variant type: Duplication.
Identifiers: ClinVar variation 1511272 (VCV001511272.6).